The following is an entry in ClinVar:

NM_178161.3(PTF1A):c.508del (p.Val170fs)

Gene: PTF1A (pancreas associated transcription factor 1a; plus strand). Cytogenetic location: 10p12.2.
Variant type: Deletion.
Coding change: c.508del on transcript NM_178161.3 (MANE Select); coding-DNA position 508, one base deleted (G; older notation c.508delG).
Protein change: p.Val170fs; shifts the reading frame from valine 170.
Molecular consequence: frameshift variant.
Genome position (GRCh38, 1-based): chr10:23,193,038, G deleted. VCF-style (leftmost placement, unchanged base first): chr10-23193037-CG-C. GRCh37 (hg19) VCF-style: chr10-23481966-CG-C.
Other names: c.508delG (NM_178161.3); short protein forms V170fs.
Identifiers: ClinVar variation 4688853 (VCV004688853.1).

ClinVar aggregate classification (germline): Uncertain significance (1 of 4 stars; one submission).

Submission:

Women's Health and Genetics/Laboratory Corporation of America, LabCorp
Classification: Uncertain significance. Last evaluated: 2025-12-24. Review status: criteria provided, single submitter. Criteria: LabCorp Variant Classification Summary - May 2015. Collection method: clinical testing. Allele origin: germline.
Comment: Variant summary: PTF1A c.508delG (p.Val170CysfsX107) results in a premature termination codon, predicted to cause a truncation of the encoded protein or absence of the protein due to nonsense mediated decay, however current evidence is not sufficient to establish loss of function as a mechanism for disease. The frequency data for this variant in gnomAD is considered unreliable, as metrics indicate poor data quality at this position. To our knowledge, no occurrence of c.508delG in individuals affected with PTF1A-related conditions and no experimental evidence demonstrating its impact on protein function have been reported. No submitters have cited clinical-significance assessments for this variant to ClinVar. Based on the evidence outlined above, the variant was classified as uncertain significance.